The following is an entry in ClinVar:

ClinVar aggregate classification (germline): Uncertain significance (1 of 4 stars; one submission).

Conditions:
Charcot-Marie-Tooth disease dominant intermediate F. Identifiers: Orphanet 352670, MedGen C4749463, MONDO:0014074, OMIM 615185.

Submission:

Labcorp Genetics (formerly Invitae), Labcorp
Classification: Uncertain significance for Charcot-Marie-Tooth disease dominant intermediate F. Last evaluated: 2023-09-10. Review status: criteria provided, single submitter. Criteria: Invitae Variant Classification Sherloc (09022015). Collection method: clinical testing. Allele origin: germline.
Comment: This variant has not been reported in the literature in individuals affected with GNB4-related conditions. This variant is not present in population databases (gnomAD no frequency). This sequence change replaces threonine, which is neutral and polar, with proline, which is neutral and non-polar, at codon 249 of the GNB4 protein (p.Thr249Pro). Advanced modeling of protein sequence and biophysical properties (such as structural, functional, and spatial information, amino acid conservation, physicochemical variation, residue mobility, and thermodynamic stability) performed at Invitae indicates that this missense variant is expected to disrupt GNB4 protein function. In summary, the available evidence is currently insufficient to determine the role of this variant in disease. Therefore, it has been classified as a Variant of Uncertain Significance.

NM_021629.4(GNB4):c.745A>C (p.Thr249Pro)

Gene: GNB4 (G protein subunit beta 4; minus strand). Cytogenetic location: 3q26.33.
Variant type: single nucleotide variant.
Coding change: c.745A>C on transcript NM_021629.4 (MANE Select); coding-DNA position 745, A replaced by C.
Protein change: p.Thr249Pro; replaces threonine 249 with proline.
Molecular consequence: missense variant.
Genome position (GRCh38, 1-based): chr3:179,405,361, T>G on the plus strand (A>C on the coding strand, the complement: GNB4 is on the minus strand). VCF-style: chr3-179405361-T-G. GRCh37 (hg19) VCF-style: chr3-179123149-T-G.
Other names: short protein forms T249P.
Identifiers: ClinVar variation 2967822 (VCV002967822.3), dbSNP rs2473882548, ClinGen allele CA355469119.